The following is an entry in ClinVar:

ClinVar aggregate classification (germline): Pathogenic (1 of 4 stars; one submission).

Conditions:
Familial adenomatous polyposis 1 (FAP1). Also called: FAMILIAL ADENOMATOUS POLYPOSIS 1, ATTENUATED; POLYPOSIS, ADENOMATOUS INTESTINAL. Identifiers: MedGen C2713442, MONDO:0021056, OMIM 175100. Disease mechanism: loss of function.

Submission:

Myriad Genetics, Inc.
Classification: Pathogenic for Familial adenomatous polyposis 1. Last evaluated: 2023-04-27. Review status: criteria provided, single submitter. Criteria: Myriad Autosomal Dominant, Autosomal Recessive and X-Linked Classification Criteria (2023). Collection method: clinical testing. Allele origin: unknown.
Comment: This variant is considered pathogenic. This variant creates a frameshift predicted to result in premature protein truncation.

NM_000038.6(APC):c.706_710delinsAACA (p.Gln236fs)

Gene: APC (APC regulator of Wnt signaling pathway; plus strand). Cytogenetic location: 5q22.2.
Variant type: Indel.
Coding change: c.706_710delinsAACA on transcript NM_000038.6 (MANE Select); coding-DNA positions 706 to 710, CAGTC replaced by AACA.
Protein change: p.Gln236fs; shifts the reading frame from glutamine 236.
Molecular consequence: frameshift variant. On other transcripts: 5 prime UTR variant (4), non-coding transcript variant (2), intron variant (5).
Genome position (GRCh38, 1-based): chr5:112,792,506-112,792,510, CAGTC replaced by AACA. VCF-style: chr5-112792506-CAGTC-AACA. GRCh37 (hg19) VCF-style: chr5-112128203-CAGTC-AACA.
Other names: c.706_710delinsAACA, p.Gln236fs (NM_001127510.3, NM_001354895.2, NM_001354896.2 and 12 more transcripts); c.736_740delinsAACA, p.Gln246fs (NM_001354897.2, NM_001354902.2, NM_001407446.1); c.631_635delinsAACA, p.Gln211fs (NM_001354898.2, NM_001354904.2, NM_001407451.1); c.529_533delinsAACA, p.Gln177fs (NM_001354900.2, NM_001354901.2, NM_001354905.2 and 1 more transcripts); c.-330_-326delinsAACA (NM_001354906.2, NM_001407470.1, NM_001407471.1 and 1 more transcripts); c.646-8773_646-8769delinsAACA (NM_001407452.1, NM_001407469.1, NM_001354899.2 and 1 more transcripts); c.676-8773_676-8769delinsAACA (NM_001127511.3); short protein forms Q177fs, Q211fs, Q236fs, Q246fs.
Identifiers: ClinVar variation 2584090 (VCV002584090.1), dbSNP rs2532633944, ClinGen allele CA2582341378.
Genomic context (GRCh38, chr5:112,792,506, plus strand): 5'-CGAAGAATAGCCAGAATTCAGCAAATCGAAAAGGACATACTTCGTATACGACAGCTTTTA[CAGTC>AACA]CCAAGCAACAGAAGCAGAGGTTAGTAAATTGCCTTTCTTGTTTGTGGGTATAAAAATAGG-3'